The following is an entry in ClinVar:

NM_004006.3(DMD):c.10174A>G (p.Met3392Val)

Gene: DMD (dystrophin; minus strand). Cytogenetic location: Xp21.2.
Variant type: single nucleotide variant.
Coding change: c.10174A>G on transcript NM_004006.3 (MANE Select); coding-DNA position 10174, A replaced by G.
Protein change: p.Met3392Val; replaces methionine 3392 with valine.
Molecular consequence: missense variant.
Genome position (GRCh38, 1-based): chrX:31,178,718, T>C on the plus strand (A>G on the coding strand, the complement: DMD is on the minus strand). VCF-style: chrX-31178718-T-C. GRCh37 (hg19) VCF-style: chrX-31196835-T-C.
Other names: c.10150A>G, p.Met3384Val (NM_000109.4); c.10162A>G, p.Met3388Val (NM_004009.3); c.9805A>G, p.Met3269Val (NM_004010.3); c.6151A>G, p.Met2051Val (NM_004011.4); c.6142A>G, p.Met2048Val (NM_004012.4); c.2794A>G, p.Met932Val (NM_004013.3, NM_004020.4, NM_004021.3 and 2 more transcripts); c.1987A>G, p.Met663Val (NM_004014.3); c.970A>G, p.Met324Val (NM_004015.3, NM_004016.3, NM_004017.3 and 2 more transcripts); short protein forms M3392V, M2051V, M663V, M2048V, M324V, M3269V, M3388V, M3384V.
Identifiers: ClinVar variation 1391620 (VCV001391620.6), dbSNP rs2148290988, ClinGen allele CA412652779.

ClinVar aggregate classification (germline): Uncertain significance (1 of 4 stars; one submission).

Conditions:
Duchenne muscular dystrophy (DMD). Also called: MUSCULAR DYSTROPHY, PSEUDOHYPERTROPHIC PROGRESSIVE, DUCHENNE TYPE; Duchenne Muscular Dystrophy (DMD). Identifiers: Orphanet 98896, MedGen C0013264, MONDO:0010679, OMIM 310200.

Submission:

Labcorp Genetics (formerly Invitae), Labcorp
Classification: Uncertain significance for Duchenne muscular dystrophy. Last evaluated: 2021-08-29. Review status: criteria provided, single submitter. Criteria: Invitae Variant Classification Sherloc (09022015). Collection method: clinical testing. Allele origin: germline.
Comment: This sequence change replaces methionine with valine at codon 3392 of the DMD protein (p.Met3392Val). The methionine residue is highly conserved and there is a small physicochemical difference between methionine and valine. This variant is not present in population databases (ExAC no frequency). This variant has not been reported in the literature in individuals affected with DMD-related conditions. Algorithms developed to predict the effect of missense changes on protein structure and function (SIFT, PolyPhen-2, Align-GVGD) all suggest that this variant is likely to be tolerated. In summary, the available evidence is currently insufficient to determine the role of this variant in disease. Therefore, it has been classified as a Variant of Uncertain Significance.